The following is an entry in ClinVar:

ClinVar aggregate classification (germline): Conflicting classifications of pathogenicity. Review status: criteria provided, conflicting classifications (1 of 4 stars). 3 submissions from 3 submitters: Likely pathogenic (1); Benign (1); Likely benign (1). Last evaluated 2025-04-24.

Conditions:
Spastic paraplegia. Identifiers: MedGen C0037772, HP:0001258.

Allele frequency attached by ClinVar (database versions not stated): TOPMed below 0.00001; gnomAD exomes 0.00004 and 0.00007; ExAC 0.00006.

Submissions (3):

Women's Health and Genetics/Laboratory Corporation of America, LabCorp
Classification: Likely benign. Last evaluated: 2025-04-24. Review status: criteria provided, single submitter. Criteria: LabCorp Variant Classification Summary - May 2015. Collection method: clinical testing. Allele origin: germline.
Comment: Variant summary: L1CAM c.1124-6_1124-3dupGCAC alters a non-conserved nucleotide located at a position not widely known to affect splicing. Several computational tools predict a significant impact on normal splicing: One predict the variant abolishes a 3' acceptor site. Two predict the variant weakens a 3' acceptor site. However, these predictions have yet to be confirmed by functional studies. The variant allele was found at a frequency of 7.1e-05 in 168449 control chromosomes in the gnomAD database, including 1 homozygote and 5 hemizygotes. To our knowledge, no occurrence of c.1124-6_1124-3dupGCAC in individuals affected with L1 Syndrome and no experimental evidence demonstrating its impact on protein function have been reported. ClinVar contains an entry for this variant (Variation ID: 191258). Based on the evidence outlined above, the variant was classified as likely benign.

Labcorp Genetics (formerly Invitae), Labcorp
Classification: Benign for Spastic paraplegia. Last evaluated: 2024-01-10. Review status: criteria provided, single submitter. Criteria: Invitae Variant Classification Sherloc (09022015). Collection method: clinical testing. Allele origin: germline.

Genomic Medicine Center of Excellence, King Faisal Specialist Hospital and Research Centre
Classification: Likely pathogenic. Review status: criteria provided, single submitter. Criteria: ACMG Guidelines, 2015. Collection method: research. Allele origin: germline. Affected: yes.

NM_001278116.2(L1CAM):c.1124-6_1124-3dup

Gene: L1CAM (L1 cell adhesion molecule; minus strand). Cytogenetic location: Xq28.
Variant type: Duplication.
Coding change: c.1124-6_1124-3dup on transcript NM_001278116.2 (MANE Select); 6 bases into the intron before coding-DNA position 1124 through 3 bases into the intron before coding-DNA position 1124, 4 bases duplicated (GCAC; older notation c.1124-6_1124-3dupGCAC).
Molecular consequence: intron variant.
Genome position (GRCh38, 1-based): chrX:153,869,666-153,869,669, GTGC duplicated on the plus strand (GCAC on the coding strand, the reverse complement: L1CAM is on the minus strand). VCF-style (leftmost placement, unchanged base first): chrX-153869665-T-TGTGC. GRCh37 (hg19) VCF-style: chrX-153135120-T-TGTGC.
Other names: c.1109-6_1109-3dup (NM_001143963.2); c.1124-6_1124-3dup (NM_024003.3, NM_000425.5); c.1124-6_1124-3dupGCAC (NM_000425.5).
Identifiers: ClinVar variation 191258 (VCV000191258.7), dbSNP rs782713149, ClinGen allele CA10554419.